The following is an entry in ClinVar:

ClinVar aggregate classification (germline): Uncertain significance. Review status: criteria provided, multiple submitters, no conflicts (2 of 4 stars). 2 submissions from 2 submitters: Uncertain significance (2). Last evaluated 2025-04-13.

Conditions:
Nephrolithiasis/nephrocalcinosis. Identifiers: MedGen CN580796.
Autosomal dominant hypocalcemia 1 (HYPOC1). Also called: HYPOCALCEMIA, FAMILIAL. Identifiers: MedGen C3715128, MONDO:0011013, OMIM 601198.
Familial hypocalciuric hypercalcemia (FHH). Also called: Familial benign hypercalcemia. Identifiers: Orphanet 405, MedGen C1809471, MONDO:0018458.

Allele frequency attached by ClinVar (database versions not stated): gnomAD exomes below 0.00001.
gnomAD v4.1: 2 of 1,614,210 alleles (0.00012%); highest among the groups gnomAD compares: South Asian, 0.0022%; no homozygotes.

Submissions (2):

Labcorp Genetics (formerly Invitae), Labcorp
Classification: Uncertain significance for Familial hypocalciuric hypercalcemia; Autosomal dominant hypocalcemia 1. Last evaluated: 2025-04-13. Review status: criteria provided, single submitter. Criteria: Invitae Variant Classification Sherloc (09022015). Collection method: clinical testing. Allele origin: germline.
Comment: This sequence change replaces serine, which is neutral and polar, with cysteine, which is neutral and slightly polar, at codon 997 of the CASR protein (p.Ser997Cys). This variant is present in population databases (no rsID available, gnomAD 0.003%). This variant has not been reported in the literature in individuals affected with CASR-related conditions. ClinVar contains an entry for this variant (Variation ID: 935650). An algorithm developed to predict the effect of missense changes on protein structure and function (PolyPhen-2) suggests that this variant is likely to be disruptive. In summary, the available evidence is currently insufficient to determine the role of this variant in disease. Therefore, it has been classified as a Variant of Uncertain Significance.

Ambry Genetics
Classification: Uncertain significance for Nephrolithiasis/nephrocalcinosis. Last evaluated: 2023-07-29. Review status: criteria provided, single submitter. Criteria: Ambry Variant Classification Scheme 2023. Collection method: clinical testing. Allele origin: germline.
Comment: The p.S997C variant (also known as c.2990C>G), located in coding exon 6 of the CASR gene, results from a C to G substitution at nucleotide position 2990. The serine at codon 997 is replaced by cysteine, an amino acid with dissimilar properties. This amino acid position is conserved. In addition, the in silico prediction for this alteration is inconclusive. Since supporting evidence is limited at this time, the clinical significance of this alteration remains unclear.

NM_000388.4(CASR):c.2990C>G (p.Ser997Cys)

Gene: CASR (calcium sensing receptor; plus strand). Cytogenetic location: 3q21.1.
Variant type: single nucleotide variant.
Coding change: c.2990C>G on transcript NM_000388.4 (MANE Select); coding-DNA position 2990, C replaced by G.
Protein change: p.Ser997Cys; replaces serine 997 with cysteine.
Molecular consequence: missense variant.
Genome position (GRCh38, 1-based): chr3:122,284,944, C>G. VCF-style: chr3-122284944-C-G. GRCh37 (hg19) VCF-style: chr3-122003791-C-G.
Other names: c.3020C>G, p.Ser1007Cys (NM_001178065.2); short protein forms S997C, S1007C.
Identifiers: ClinVar variation 935650 (VCV000935650.11), dbSNP rs1244383237, ClinGen allele CA354161217.